The following is an entry in ClinVar:

NM_020693.4(DSCAML1):c.5255A>G (p.Lys1752Arg)

Gene: DSCAML1 (DS cell adhesion molecule like 1; minus strand). Cytogenetic location: 11q23.3.
Variant type: single nucleotide variant.
Coding change: c.5255A>G on transcript NM_020693.4 (MANE Select); coding-DNA position 5255, A replaced by G.
Protein change: p.Lys1752Arg; replaces lysine 1752 with arginine.
Molecular consequence: missense variant.
Genome position (GRCh38, 1-based): chr11:117,431,653, T>C on the plus strand (A>G on the coding strand, the complement: DSCAML1 is on the minus strand). VCF-style: chr11-117431653-T-C. GRCh37 (hg19) VCF-style: chr11-117302369-T-C.
Other names: short protein forms K1752R.
Identifiers: ClinVar variation 1939381 (VCV001939381.5), dbSNP rs1380937377, ClinGen allele CA382754582.

ClinVar aggregate classification (germline): Uncertain significance (1 of 4 stars; one submission).

Allele frequency attached by ClinVar (database versions not stated): gnomAD exomes 0.00001; gnomAD 0.00002; TOPMed 0.00002.
gnomAD v4.1: 11 of 1,613,012 alleles (0.00068%); highest among the groups gnomAD compares: Non-Finnish European, 0.00093%; no homozygotes.

Submission:

Labcorp Genetics (formerly Invitae), Labcorp
Classification: Uncertain significance. Last evaluated: 2025-11-18. Review status: criteria provided, single submitter. Criteria: Invitae Variant Classification Sherloc (09022015). Collection method: clinical testing. Allele origin: germline.
Comment: This sequence change replaces lysine, which is basic and polar, with arginine, which is basic and polar, at codon 1812 of the DSCAML1 protein (p.Lys1812Arg). This variant is present in population databases (no rsID available, gnomAD 0.003%). This variant has not been reported in the literature in individuals affected with DSCAML1-related conditions. ClinVar contains an entry for this variant (Variation ID: 1939381). An algorithm developed to predict the effect of missense changes on protein structure and function (PolyPhen-2) suggests that this variant is likely to be tolerated. In summary, the available evidence is currently insufficient to determine the role of this variant in disease. Therefore, it has been classified as a Variant of Uncertain Significance.